The following is an entry in ClinVar:

NM_144643.4(SCLT1):c.433A>T (p.Thr145Ser)

Gene: SCLT1 (sodium channel and clathrin linker 1; minus strand). Cytogenetic location: 4q28.2.
Variant type: single nucleotide variant.
Coding change: c.433A>T on transcript NM_144643.4 (MANE Select); coding-DNA position 433, A replaced by T.
Protein change: p.Thr145Ser; replaces threonine 145 with serine.
Molecular consequence: missense variant.
Genome position (GRCh38, 1-based): chr4:128,999,788, T>A on the plus strand (A>T on the coding strand, the complement: SCLT1 is on the minus strand). VCF-style: chr4-128999788-T-A. GRCh37 (hg19) VCF-style: chr4-129920943-T-A.
Other names: c.433A>T, p.Thr145Ser (NM_001410807.1); c.433A>T (NM_144643.3); short protein forms T145S.
Identifiers: ClinVar variation 2369666 (VCV002369666.3), dbSNP rs375430672, ClinGen allele CA358190006.
Genomic context (GRCh38, chr4:128,999,788, plus strand): 5'-AAAGCTTGTGTAGTCTGTCCAACTCCTGAGAAACAGTCTGCCAGAGTTCCACAGCCTGAG[T>A]TTTTTCCTATTAAAAAAGTTTGATAACTCATTAAATTATCAGCAGGCTATTTATTGTATA-3'
Protein context (NP_653244.2, residues 135-155): EQLQLANQEK[Thr145Ser]QAVELWQTVS

ClinVar aggregate classification (germline): Uncertain significance. Review status: criteria provided, multiple submitters, no conflicts (2 of 4 stars). 2 submissions from 2 submitters: Uncertain significance (2). Last evaluated 2026-06-04.

Conditions:
SCLT1-related disorder. Also called: SCLT1-related condition.

gnomAD v4.1: 43 of 1,594,810 alleles (0.0027%); highest among the groups gnomAD compares: Non-Finnish European, 0.0036%; no homozygotes.

Submissions (2):

PreventionGenetics, part of Exact Sciences
Classification: Uncertain significance for SCLT1-related condition. Last evaluated: 2026-06-04. Review status: criteria provided, single submitter. Criteria: ACMG Guidelines, 2015. Collection method: clinical testing. Allele origin: germline.
Comment: The SCLT1 c.433A>T variant is predicted to result in the amino acid substitution p.Thr145Ser. To our knowledge, this variant has not been reported in the literature. This variant is reported in 0.0065% of alleles in individuals of European (Non-Finnish) descent in gnomAD. At this time, the clinical significance of this variant is uncertain due to the absence of conclusive functional and genetic evidence.

Ambry Genetics
Classification: Uncertain significance. Last evaluated: 2022-12-21. Review status: criteria provided, single submitter. Criteria: Ambry Variant Classification Scheme 2023. Collection method: clinical testing. Allele origin: germline.